The following is an entry in ClinVar:

ClinVar aggregate classification (germline): Pathogenic (1 of 4 stars; one submission).

Conditions:
Tuberous sclerosis 2 (TSC2). Identifiers: Orphanet 805, MedGen C1860707, MONDO:0013199, OMIM 613254.

Submission:

Labcorp Genetics (formerly Invitae), Labcorp
Classification: Pathogenic for Tuberous sclerosis 2. Last evaluated: 2021-04-11. Review status: criteria provided, single submitter. Criteria: Invitae Variant Classification Sherloc (09022015). Collection method: clinical testing. Allele origin: germline.
Comment: For these reasons, this variant has been classified as Pathogenic. This variant has not been reported in the literature in individuals with TSC2-related conditions. This variant is not present in population databases (ExAC no frequency). This sequence change creates a premature translational stop signal (p.Gln1377Serfs*6) in the TSC2 gene. It is expected to result in an absent or disrupted protein product. Loss-of-function variants in TSC2 are known to be pathogenic (PMID: 10205261, 17304050).

Literature cited by the submitters: PubMed 10205261; PubMed 17304050.

NM_000548.5(TSC2):c.4129del (p.Gln1377fs)

Gene: TSC2 (TSC complex subunit 2; plus strand). Cytogenetic location: 16p13.3.
Variant type: Deletion.
Coding change: c.4129del on transcript NM_000548.5 (MANE Select); coding-DNA position 4129, one base deleted (C; older notation c.4129delC).
Protein change: p.Gln1377fs; shifts the reading frame from glutamine 1377.
Molecular consequence: frameshift variant.
Genome position (GRCh38, 1-based): chr16:2,084,351, C deleted; the last of 2 consecutive C bases (chr16:2,084,350-2,084,351); deleting either gives the same sequence. VCF-style (leftmost placement, unchanged base first): chr16-2084349-TC-T. GRCh37 (hg19) VCF-style: chr16-2134350-TC-T.
Other names: c.3928del, p.Gln1310fs (NM_001077183.3); c.4060del, p.Gln1354fs (NM_001114382.3); c.3820del, p.Gln1274fs (NM_001318827.2); c.3784del, p.Gln1262fs (NM_001318829.2); c.3397del, p.Gln1133fs (NM_001318831.2); c.3961del, p.Gln1321fs (NM_001318832.2); c.3931del, p.Gln1311fs (NM_001363528.2); c.3997del, p.Gln1333fs (NM_001370404.1); and 1 more; short protein forms Q1133fs, Q1262fs, Q1274fs, Q1333fs, Q1310fs, Q1354fs, Q1311fs, Q1321fs.
Identifiers: ClinVar variation 1452753 (VCV001452753.6), dbSNP rs2151524091, ClinGen allele CA2573151612.